The following is an entry in ClinVar:

ClinVar aggregate classification (germline): Uncertain significance (1 of 4 stars; one submission).

Conditions:
RYR1-related disorder. Also called: RYR1-related condition; RYR1-related disorders. Identifiers: MedGen CN239331.

Allele frequency attached by ClinVar (database versions not stated): gnomAD exomes below 0.00001.
gnomAD v4.1: 6 of 1,613,252 alleles (0.00037%); highest among the groups gnomAD compares: Non-Finnish European, 0.00042%; no homozygotes.

Submission:

Labcorp Genetics (formerly Invitae), Labcorp
Classification: Uncertain significance for RYR1-related disorder. Last evaluated: 2025-02-03. Review status: criteria provided, single submitter. Criteria: Invitae Variant Classification Sherloc (09022015). Collection method: clinical testing. Allele origin: germline.
Comment: This sequence change falls in intron 25 of the RYR1 gene. It does not directly change the encoded amino acid sequence of the RYR1 protein. This variant is not present in population databases (gnomAD no frequency). This variant has not been reported in the literature in individuals affected with RYR1-related conditions. ClinVar contains an entry for this variant (Variation ID: 2078183). Algorithms developed to predict the effect of sequence changes on RNA splicing suggest that this variant may create or strengthen a splice site. In summary, the available evidence is currently insufficient to determine the role of this variant in disease. Therefore, it has been classified as a Variant of Uncertain Significance.

NM_000540.3(RYR1):c.3381+8C>A

Gene: RYR1 (ryanodine receptor 1; plus strand). Cytogenetic location: 19q13.2.
Variant type: single nucleotide variant.
Coding change: c.3381+8C>A on transcript NM_000540.3 (MANE Select); 8 bases into the intron after coding-DNA position 3381, C replaced by A.
Molecular consequence: intron variant.
Genome position (GRCh38, 1-based): chr19:38,467,820, C>A. VCF-style: chr19-38467820-C-A. GRCh37 (hg19) VCF-style: chr19-38958460-C-A.
Other names: c.3381+8C>A (NM_001042723.2).
Identifiers: ClinVar variation 2078183 (VCV002078183.2), dbSNP rs953368493, ClinGen allele CA995720317.